The following is an entry in ClinVar:

ClinVar aggregate classification (germline): Uncertain significance (1 of 4 stars; one submission).

Conditions:
Congenital muscular dystrophy due to integrin alpha-7 deficiency. Also called: Congenital muscular dystrophy with integrin alpha-7 deficiency; Muscular dystrophy, congenital, due to ITGA7 deficiency; MYOPATHY, CONGENITAL, DUE TO INTEGRIN ALPHA-7 DEFICIENCY. Identifiers: Orphanet 34520, MedGen C2750786, MONDO:0013177, OMIM 613204.

Allele frequency attached by ClinVar (database versions not stated): gnomAD exomes below 0.00001; TOPMed 0.00001.
gnomAD v4.1: 2 of 1,614,010 alleles (0.00012%); highest among the groups gnomAD compares: Non-Finnish European, 0.000085%; no homozygotes.

Submission:

Labcorp Genetics (formerly Invitae), Labcorp
Classification: Uncertain significance for Congenital muscular dystrophy due to integrin alpha-7 deficiency. Last evaluated: 2022-06-27. Review status: criteria provided, single submitter. Criteria: Invitae Variant Classification Sherloc (09022015). Collection method: clinical testing. Allele origin: germline.
Comment: In summary, the available evidence is currently insufficient to determine the role of this variant in disease. Therefore, it has been classified as a Variant of Uncertain Significance. Algorithms developed to predict the effect of missense changes on protein structure and function are either unavailable or do not agree on the potential impact of this missense change (SIFT: "Tolerated"; PolyPhen-2: "Probably Damaging"; Align-GVGD: "Class C0"). This variant has not been reported in the literature in individuals affected with ITGA7-related conditions. This variant is not present in population databases (gnomAD no frequency). This sequence change replaces leucine, which is neutral and non-polar, with isoleucine, which is neutral and non-polar, at codon 979 of the ITGA7 protein (p.Leu979Ile).

NM_002206.3(ITGA7):c.2935C>A (p.Leu979Ile)

Gene: ITGA7 (integrin subunit alpha 7; minus strand). Cytogenetic location: 12q13.2.
Variant type: single nucleotide variant.
Coding change: c.2935C>A on transcript NM_002206.3 (MANE Select); coding-DNA position 2935, C replaced by A.
Protein change: p.Leu979Ile; replaces leucine 979 with isoleucine.
Molecular consequence: missense variant.
Genome position (GRCh38, 1-based): chr12:55,688,867, G>T on the plus strand (C>A on the coding strand, the complement: ITGA7 is on the minus strand). VCF-style: chr12-55688867-G-T. GRCh37 (hg19) VCF-style: chr12-56082651-G-T.
Other names: c.2947C>A, p.Leu983Ile (NM_001144996.2); c.2656C>A, p.Leu886Ile (NM_001144997.2); c.2608C>A, p.Leu870Ile (NM_001367993.1); c.1591C>A, p.Leu531Ile (NM_001367994.1); c.2917C>A, p.Leu973Ile (NM_001374465.1); c.3067C>A, p.Leu1023Ile (NM_001410977.1); c.2929C>A, p.Leu977Ile (NM_001414029.1); c.2860C>A, p.Leu954Ile (NM_001414030.1); and 5 more; short protein forms L979I, L531I, L870I, L886I, L973I, L983I, L1023I, L904I.
Identifiers: ClinVar variation 1420308 (VCV001420308.6), dbSNP rs1870838499, ClinGen allele CA385180974.